The following is an entry in ClinVar:

ClinVar aggregate classification (germline): Benign/Likely benign. Review status: criteria provided, multiple submitters, no conflicts (2 of 4 stars). 7 submissions from 7 submitters: Benign (3); Likely benign (4). Last evaluated 2026-01-29.

Conditions:
Renal carnitine transport defect (CDSP). Also called: Primary carnitine deficiency; Systemic primary carnitine deficiency; Carnitine Deficiency, Systemic; Systemic primary carnitine deficiency disease; CARNITINE DEFICIENCY, SYSTEMIC, DUE TO DEFECT IN RENAL REABSORPTION OF CARNITINE; CARNITINE TRANSPORTER, PLASMA-MEMBRANE, DEFICIENCY OF. Identifiers: Orphanet 158, MedGen C0342788, MONDO:0008919, OMIM 212140.

Allele frequency attached by ClinVar (database versions not stated): gnomAD 0.00001 and 0.00017; TOPMed 0.00006; gnomAD exomes 0.00039 and 0.00074; ExAC 0.00091; 1000 Genomes Project 30x 0.00109; 1000 Genomes Project 0.00120.
gnomAD v4.1: 594 of 1,614,240 alleles (0.037%); highest among the groups gnomAD compares: South Asian, 0.62%; 8 homozygotes.

Submissions (7):

Labcorp Genetics (formerly Invitae), Labcorp
Classification: Benign for Renal carnitine transport defect. Last evaluated: 2026-01-29. Review status: criteria provided, single submitter. Criteria: Invitae Variant Classification Sherloc (09022015). Collection method: clinical testing. Allele origin: germline.

Blueprint Genetics
Classification: Likely benign. Last evaluated: 2024-10-22. Review status: criteria provided, single submitter. Criteria: ACMG Guidelines, 2015. Collection method: clinical testing. Allele origin: germline.

Fulgent Genetics
Classification: Benign for Renal carnitine transport defect. Last evaluated: 2021-09-17. Review status: criteria provided, single submitter. Criteria: ACMG Guidelines, 2015. Collection method: clinical testing. Allele origin: unknown.

Genome-Nilou Lab
Classification: Benign for Renal carnitine transport defect. Last evaluated: 2021-07-15. Review status: criteria provided, single submitter. Criteria: ACMG Guidelines, 2015. Collection method: clinical testing. Allele origin: germline. Affected: no.

Women's Health and Genetics/Laboratory Corporation of America, LabCorp
Classification: Likely benign. Last evaluated: 2019-11-01. Review status: criteria provided, single submitter. Criteria: LabCorp Variant Classification Summary - May 2015. Collection method: clinical testing. Allele origin: germline.

GeneDx
Classification: Likely benign. Last evaluated: 2018-03-12. Review status: criteria provided, single submitter. Criteria: GeneDx Variant Classification (06012015). Collection method: clinical testing. Allele origin: germline. Affected: yes.
Comment: This variant is considered likely benign or benign based on one or more of the following criteria: it is a conservative change, it occurs at a poorly conserved position in the protein, it is predicted to be benign by multiple in silico algorithms, and/or has population frequency not consistent with disease.

Breakthrough Genomics
Classification: Likely benign. Review status: criteria provided, single submitter. Criteria: ACMG Guidelines, 2015. Collection method: not provided. Allele origin: germline. Inheritance: Autosomal recessive inheritance. Affected: yes.

NM_003060.4(SLC22A5):c.1125C>T (p.Asn375=)

Gene: SLC22A5 (solute carrier family 22 member 5; plus strand). Cytogenetic location: 5q31.1.
Variant type: single nucleotide variant.
Coding change: c.1125C>T on transcript NM_003060.4 (MANE Select); coding-DNA position 1125, C replaced by T.
Protein change: p.Asn375=; no amino-acid change (asparagine 375 retained).
Molecular consequence: synonymous variant.
Genome position (GRCh38, 1-based): chr5:132,390,762, C>T. VCF-style: chr5-132390762-C-T. GRCh37 (hg19) VCF-style: chr5-131726454-C-T.
Other names: c.1197C>T, p.Asn399= (NM_001308122.2).
Identifiers: ClinVar variation 460390 (VCV000460390.19), dbSNP rs202219455, ClinGen allele CA3404085.